The following is an entry in ClinVar:

NM_001378120.1(MBD5):c.275C>G (p.Ala92Gly)

Gene: MBD5 (methyl-CpG binding domain protein 5; plus strand). Cytogenetic location: 2q23.1.
Variant type: single nucleotide variant.
Coding change: c.275C>G on transcript NM_001378120.1 (MANE Select); coding-DNA position 275, C replaced by G.
Protein change: p.Ala92Gly; replaces alanine 92 with glycine.
Molecular consequence: missense variant.
Genome position (GRCh38, 1-based): chr2:148,463,797, C>G. VCF-style: chr2-148463797-C-G. GRCh37 (hg19) VCF-style: chr2-149221366-C-G.
Other names: c.275C>G, p.Ala92Gly (NM_018328.5); short protein forms A92G.
Identifiers: ClinVar variation 1313274 (VCV001313274.2), dbSNP rs2105581712, ClinGen allele CA348716440.
Genomic context (GRCh38, chr2:148,463,797, plus strand): 5'-AGGTATTTAATTTTGATCCTGGAGCTGCTGTGAAACAGAGAACCGCAGAAGATGTTAAGG[C>G]AGATGAAGATGTCACAAAGCTATGCATACATAAAAGAAAAATTATTGCAGTGGCCACACT-3'
Protein context (NP_001365049.1, residues 82-102): VKQRTAEDVK[Ala92Gly]DEDVTKLCIH

ClinVar aggregate classification (germline): Uncertain significance (1 of 4 stars; one submission).

Allele frequency attached by ClinVar (database versions not stated): gnomAD exomes below 0.00001.
gnomAD v4.1: 1 of 1,613,724 alleles (0.000062%); highest among the groups gnomAD compares: Non-Finnish European, 0.000085%; no homozygotes.

Submission:

GeneDx
Classification: Uncertain significance. Last evaluated: 2021-07-23. Review status: criteria provided, single submitter. Criteria: GeneDx Variant Classification Process June 2021. Collection method: clinical testing. Allele origin: germline. Affected: yes.
Comment: Not observed in large population cohorts (Lek et al., 2016); In silico analysis supports that this missense variant does not alter protein structure/function; Has not been previously published as pathogenic or benign to our knowledge